The following is an entry in ClinVar:

NM_014425.5(INVS):c.815A>C (p.His272Pro)

Gene: INVS (inversin; plus strand). Cytogenetic location: 9q31.1.
Variant type: single nucleotide variant.
Coding change: c.815A>C on transcript NM_014425.5 (MANE Select); coding-DNA position 815, A replaced by C.
Protein change: p.His272Pro; replaces histidine 272 with proline.
Molecular consequence: missense variant. On other transcripts: 5 prime UTR variant (1), non-coding transcript variant (1).
Genome position (GRCh38, 1-based): chr9:100,242,588, A>C. VCF-style: chr9-100242588-A-C. GRCh37 (hg19) VCF-style: chr9-103004870-A-C.
Other names: c.527A>C, p.His176Pro (NM_001318381.2); c.-175A>C (NM_001318382.2); c.815A>C (NM_014425.2); short protein forms H272P, H176P.
Identifiers: ClinVar variation 497966 (VCV000497966.8), dbSNP rs151080341, ClinGen allele CA5158255.

ClinVar aggregate classification (germline): Uncertain significance. Review status: criteria provided, multiple submitters, no conflicts (2 of 4 stars). 4 submissions from 4 submitters: Uncertain significance (4). Last evaluated 2025-08-07.

Conditions:
Inborn genetic diseases. Identifiers: MedGen C0950123, MeSH D030342.
Nephronophthisis. Also called: Juvenile Nephronophthisis. Identifiers: Orphanet 655, MedGen C0687120, MONDO:0019005, HP:0000090.
Infantile nephronophthisis (NPHP2). Also called: Nephronophthisis 2; Nephronophthisis 2, infantile. Identifiers: Orphanet 655, Orphanet 93591, MedGen C1865872, MONDO:0011190, OMIM 602088.

Allele frequency attached by ClinVar (database versions not stated): gnomAD exomes 0.00001; ExAC 0.00002; gnomAD 0.00002; TOPMed 0.00003; ESP Exome Variant Server 0.00008.
gnomAD v4.1: 26 of 1,603,898 alleles (0.0016%); highest among the groups gnomAD compares: Non-Finnish European, 0.0017%; no homozygotes.

Submissions (4):

Ambry Genetics
Classification: Uncertain significance for Inborn genetic diseases. Last evaluated: 2025-08-07. Review status: criteria provided, single submitter. Criteria: Ambry Variant Classification Scheme 2023. Collection method: clinical testing. Allele origin: germline.

Labcorp Genetics (formerly Invitae), Labcorp
Classification: Uncertain significance for Nephronophthisis. Last evaluated: 2022-03-04. Review status: criteria provided, single submitter. Criteria: Invitae Variant Classification Sherloc (09022015). Collection method: clinical testing. Allele origin: germline.
Comment: This sequence change replaces histidine, which is basic and polar, with proline, which is neutral and non-polar, at codon 272 of the INVS protein (p.His272Pro). This variant is present in population databases (rs151080341, gnomAD 0.002%). This variant has not been reported in the literature in individuals affected with INVS-related conditions. ClinVar contains an entry for this variant (Variation ID: 497966). Algorithms developed to predict the effect of missense changes on protein structure and function (SIFT, PolyPhen-2, Align-GVGD) all suggest that this variant is likely to be disruptive. In summary, the available evidence is currently insufficient to determine the role of this variant in disease. Therefore, it has been classified as a Variant of Uncertain Significance.

Fulgent Genetics
Classification: Uncertain significance for Infantile nephronophthisis. Last evaluated: 2022-02-15. Review status: criteria provided, single submitter. Criteria: ACMG Guidelines, 2015. Collection method: clinical testing. Allele origin: unknown.

Eurofins Ntd Llc (ga)
Classification: Uncertain significance. Last evaluated: 2016-10-11. Review status: criteria provided, single submitter. Criteria: EGL Classification Definitions 2015. Collection method: clinical testing. Allele origin: germline. Observed: 1 variant allele, 1 heterozygote.